The following is an entry in ClinVar:

NM_032188.3(KAT8):c.677A>C (p.His226Pro)

Gene: KAT8 (lysine acetyltransferase 8; plus strand). Cytogenetic location: 16p11.2.
Variant type: single nucleotide variant.
Coding change: c.677A>C on transcript NM_032188.3 (MANE Select); coding-DNA position 677, A replaced by C.
Protein change: p.His226Pro; replaces histidine 226 with proline.
Molecular consequence: missense variant.
Genome position (GRCh38, 1-based): chr16:31,127,349, A>C. VCF-style: chr16-31127349-A-C. GRCh37 (hg19) VCF-style: chr16-31138670-A-C.
Other names: c.677A>C, p.His226Pro (NM_182958.4); short protein forms H226P.
Identifiers: ClinVar variation 3393558 (VCV003393558.1).
Genomic context (GRCh38, chr16:31,127,349, plus strand): 5'-AGCTCTGGCTCTGCGAGTACTGCCTCAAGTACATGAAATATGAGAAGAGCTACCGCTTCC[A>C]CTTGGTGAGGCTGGGCCGGCCGGGCCGAGCTGGGCAGGGGCCCGGTGAGAGGCAGAGGCA-3'
Protein context (NP_115564.2, residues 216-236): YMKYEKSYRF[His226Pro]LGQCQWRQPP

ClinVar aggregate classification (germline): Uncertain significance (1 of 4 stars; one submission).

Submission:

GeneDx
Classification: Uncertain significance. Last evaluated: 2024-07-03. Review status: criteria provided, single submitter. Criteria: GeneDx Variant Classification Process June 2021. Collection method: clinical testing. Allele origin: germline. Affected: yes.
Comment: Not observed at significant frequency in large population cohorts (gnomAD); In silico analysis supports that this missense variant has a deleterious effect on protein structure/function; In silico analysis suggests this variant may impact gene splicing. In the absence of RNA/functional studies, the actual effect of this sequence change is unknown.; Has not been previously published as pathogenic or benign to our knowledge